The following is an entry in ClinVar:

NM_001365276.2(TNXB):c.4855C>T (p.Gln1619Ter)

Gene: TNXB (tenascin XB; minus strand). Cytogenetic location: 6p21.33.
Variant type: single nucleotide variant.
Coding change: c.4855C>T on transcript NM_001365276.2 (MANE Select); coding-DNA position 4855, C replaced by T.
Protein change: p.Gln1619Ter; replaces glutamine 1619 with a stop codon.
Molecular consequence: nonsense.
Genome position (GRCh38, 1-based): chr6:32,072,125, G>A on the plus strand (C>T on the coding strand, the complement: TNXB is on the minus strand). VCF-style: chr6-32072125-G-A. GRCh37 (hg19) VCF-style: chr6-32039902-G-A.
Other names: c.5596C>T, p.Gln1866Ter (NM_001428335.1); c.4855C>T, p.Gln1619Ter (NM_019105.8); short protein forms Q1619*, Q1866*.
Identifiers: ClinVar variation 5014301 (VCV005014301.1).
Genomic context (GRCh38, chr6:32,072,125, plus strand): 5'-GGGAGGGTTCCAGGTCAGGGATAGTGACCTCCCGCTGATCTGCAGCCACGGGCACCACCT[G>A]GGGCTGCCCGTCCCTGTCCTTGTACTGAACCACAAAGGAGTCGAATTCACCCTCAGGGAC-3'

ClinVar aggregate classification (germline): Pathogenic (1 of 4 stars; one submission).

Conditions:
Ehlers-Danlos syndrome due to tenascin-X deficiency (EDSCLL1). Also called: Ehlers-Danlos syndrome, classic-like, 1; EHLERS-DANLOS SYNDROME, CLASSIC-LIKE; TNXB-Related Classical-Like Ehlers-Danlos Syndrome; EDS DUE TO TNX DEFICIENCY; TNX DEFICIENCY. Identifiers: Orphanet 230839, MedGen C1848029, MONDO:0011670, OMIM 606408.

gnomAD v4.1: 2 of 1,613,242 alleles (0.00012%); highest among the groups gnomAD compares: Non-Finnish European, 0.000085%; no homozygotes.

Submission:

Myriad Genetics, Inc.
Classification: Pathogenic for Ehlers-Danlos syndrome due to tenascin-X deficiency. Last evaluated: 2025-04-04. Review status: criteria provided, single submitter. Criteria: Myriad Autosomal Dominant, Autosomal Recessive and X-Linked Classification Criteria (2023). Collection method: clinical testing. Allele origin: unknown.
Comment: NM_019105.6(TNXB):c.4855C>T(Q1619*) is expected to be pathogenic in the context of classical-like Ehlers-Danlos syndrome, TNXB-related. This variant is predicted to lead to an abnormal or absent protein product due to the creation of a premature termination codon in TNXB, a gene where loss-of-function variants are known to be pathogenic. Please note: this variant was assessed in the context of healthy population screening.